The following is an entry in ClinVar:

NM_032578.4(MYPN):c.1526A>G (p.Asp509Gly)

Gene: MYPN (myopalladin; plus strand). Cytogenetic location: 10q21.3.
Variant type: single nucleotide variant.
Coding change: c.1526A>G on transcript NM_032578.4 (MANE Select); coding-DNA position 1526, A replaced by G.
Protein change: p.Asp509Gly; replaces aspartic acid 509 with glycine.
Molecular consequence: missense variant. On other transcripts: non-coding transcript variant (2).
Genome position (GRCh38, 1-based): chr10:68,165,744, A>G. VCF-style: chr10-68165744-A-G. GRCh37 (hg19) VCF-style: chr10-69925501-A-G.
Other names: c.1526A>G, p.Asp509Gly (NM_001256267.2); c.644A>G, p.Asp215Gly (NM_001256268.2); short protein forms D215G, D509G.
Identifiers: ClinVar variation 3402125 (VCV003402125.1).

ClinVar aggregate classification (germline): Uncertain significance (1 of 4 stars; one submission).

Conditions:
Cardiovascular phenotype. Identifiers: MedGen CN230736.

gnomAD v4.1: 1 of 1,614,190 alleles (0.000062%); highest among the groups gnomAD compares: Non-Finnish European, 0.000085%; no homozygotes.

Submission:

Ambry Genetics
Classification: Uncertain significance for Cardiovascular phenotype. Last evaluated: 2024-12-05. Review status: criteria provided, single submitter. Criteria: Ambry Variant Classification Scheme 2023. Collection method: clinical testing. Allele origin: germline.
Comment: The p.D509G variant (also known as c.1526A>G), located in coding exon 8 of the MYPN gene, results from an A to G substitution at nucleotide position 1526. The aspartic acid at codon 509 is replaced by glycine, an amino acid with similar properties. This amino acid position is conserved. In addition, this alteration is predicted to be deleterious by in silico analysis. Based on the available evidence, the clinical significance of this variant remains unclear.